The following is an entry in ClinVar:

NM_000551.4(VHL):c.158A>G (p.Glu53Gly)

Gene: VHL (von Hippel-Lindau tumor suppressor; plus strand). Cytogenetic location: 3p25.3.
Variant type: single nucleotide variant.
Coding change: c.158A>G on transcript NM_000551.4 (MANE Select); coding-DNA position 158, A replaced by G.
Protein change: p.Glu53Gly; replaces glutamic acid 53 with glycine.
Molecular consequence: missense variant.
Genome position (GRCh38, 1-based): chr3:10,142,005, A>G. VCF-style: chr3-10142005-A-G. GRCh37 (hg19) VCF-style: chr3-10183689-A-G.
Other names: c.158A>G, p.Glu53Gly (NM_001354723.2, NM_198156.3); c.158A>G (NM_000551.3); short protein forms E53G.
Identifiers: ClinVar variation 1380616 (VCV001380616.7), dbSNP rs2125124854, ClinGen allele CA351748429.

ClinVar aggregate classification (germline): Conflicting classifications of pathogenicity. Review status: criteria provided, conflicting classifications (1 of 4 stars). 2 submissions from 2 submitters: Uncertain significance (1); Benign (1). Last evaluated 2025-01-19.

Conditions:
Hereditary cancer-predisposing syndrome. Also called: Tumor predisposition; Hereditary neoplastic syndrome; Neoplastic Syndromes, Hereditary; Hereditary Cancer Syndrome. Identifiers: Orphanet 140162, MedGen C0027672, MeSH D009386, MONDO:0015356.
Chuvash polycythemia. Also called: POLYCYTHEMIA, VHL-DEPENDENT. Identifiers: Orphanet 238557, MedGen C1837915, MONDO:0009892, OMIM 263400.
Von Hippel-Lindau syndrome (VHLS). Also called: Von Hippel-Lindau; von Hippel–Lindau syndrome; VHL syndrome. Identifiers: Orphanet 892, MedGen C0019562, MONDO:0008667, OMIM 193300. Disease mechanism: loss of function.

Allele frequency attached by ClinVar (database versions not stated): gnomAD exomes below 0.00001.
gnomAD v4.1: 1 of 1,585,660 alleles (0.000063%); highest among the groups gnomAD compares: Non-Finnish European, 0.000086%; no homozygotes.

Submissions (2):

Ambry Genetics
Classification: Benign for Hereditary cancer-predisposing syndrome. Last evaluated: 2025-01-19. Review status: criteria provided, single submitter. Criteria: Ambry Variant Classification Scheme 2023. Collection method: clinical testing. Allele origin: germline.

Labcorp Genetics (formerly Invitae), Labcorp
Classification: Uncertain significance for Von Hippel-Lindau syndrome; Chuvash polycythemia. Last evaluated: 2022-09-01. Review status: criteria provided, single submitter. Criteria: Invitae Variant Classification Sherloc (09022015). Collection method: clinical testing. Allele origin: germline.
Comment: In summary, the available evidence is currently insufficient to determine the role of this variant in disease. Therefore, it has been classified as a Variant of Uncertain Significance. Advanced modeling of protein sequence and biophysical properties (such as structural, functional, and spatial information, amino acid conservation, physicochemical variation, residue mobility, and thermodynamic stability) performed at Invitae indicates that this missense variant is not expected to disrupt VHL protein function. ClinVar contains an entry for this variant (Variation ID: 1380616). This variant has not been reported in the literature in individuals affected with VHL-related conditions. This variant is not present in population databases (gnomAD no frequency). This sequence change replaces glutamic acid, which is acidic and polar, with glycine, which is neutral and non-polar, at codon 53 of the VHL protein (p.Glu53Gly).

Literature cited by the submitters: PubMed 38969834 (cited by Ambry Genetics).